The following is an entry in ClinVar:

NM_003334.4(UBA1):c.2059G>A (p.Val687Met)

Gene: UBA1 (ubiquitin like modifier activating enzyme 1; plus strand). Cytogenetic location: Xp11.3.
Variant type: single nucleotide variant.
Coding change: c.2059G>A on transcript NM_003334.4 (MANE Select); coding-DNA position 2059, G replaced by A.
Protein change: p.Val687Met; replaces valine 687 with methionine.
Molecular consequence: missense variant.
Genome position (GRCh38, 1-based): chrX:47,209,983, G>A. VCF-style: chrX-47209983-G-A. GRCh37 (hg19) VCF-style: chrX-47069382-G-A.
Other names: c.2059G>A, p.Val687Met (NM_153280.3); short protein forms V687M.
Identifiers: ClinVar variation 846496 (VCV000846496.10), dbSNP rs1298433365, ClinGen allele CA412806588.

ClinVar aggregate classification (germline): Uncertain significance. Review status: criteria provided, multiple submitters, no conflicts (2 of 4 stars). 2 submissions from 2 submitters: Uncertain significance (2). Last evaluated 2024-08-21.

Conditions:
Inborn genetic diseases. Identifiers: MedGen C0950123, MeSH D030342.
Infantile-onset X-linked spinal muscular atrophy. Also called: SPINAL MUSCULAR ATROPHY, X-LINKED LETHAL INFANTILE; AMC, DISTAL, X-LINKED; ARTHROGRYPOSIS, X-LINKED, TYPE I; Spinal Muscular Atrophy, X-Linked Infantile; Spinal muscular atrophy, X-linked 2. Identifiers: Orphanet 1145, MedGen C1844934, MONDO:0010532, OMIM 301830.

Allele frequency attached by ClinVar (database versions not stated): TOPMed below 0.00001.

Submissions (2):

Ambry Genetics
Classification: Uncertain significance for Inborn genetic diseases. Last evaluated: 2024-08-21. Review status: criteria provided, single submitter. Criteria: Ambry Variant Classification Scheme 2023. Collection method: clinical testing. Allele origin: germline.

Labcorp Genetics (formerly Invitae), Labcorp
Classification: Uncertain significance for Infantile-onset X-linked spinal muscular atrophy. Last evaluated: 2023-11-27. Review status: criteria provided, single submitter. Criteria: Invitae Variant Classification Sherloc (09022015). Collection method: clinical testing. Allele origin: germline.
Comment: This sequence change replaces valine, which is neutral and non-polar, with methionine, which is neutral and non-polar, at codon 687 of the UBA1 protein (p.Val687Met). This variant is not present in population databases (gnomAD no frequency). This variant has not been reported in the literature in individuals affected with UBA1-related conditions. ClinVar contains an entry for this variant (Variation ID: 846496). An algorithm developed to predict the effect of missense changes on protein structure and function (PolyPhen-2) suggests that this variant is likely to be tolerated. In summary, the available evidence is currently insufficient to determine the role of this variant in disease. Therefore, it has been classified as a Variant of Uncertain Significance.